The following is an entry in ClinVar:

NM_000179.3(MSH6):c.333C>T (p.Tyr111=)

Gene: MSH6 (mutS homolog 6; plus strand). Cytogenetic location: 2p16.3.
Variant type: single nucleotide variant.
Coding change: c.333C>T on transcript NM_000179.3 (MANE Select); coding-DNA position 333, C replaced by T.
Protein change: p.Tyr111=; no amino-acid change (tyrosine 111 retained).
Molecular consequence: synonymous variant. On other transcripts: 5 prime UTR variant (2), intron variant (1).
Genome position (GRCh38, 1-based): chr2:47,790,999, C>T. VCF-style: chr2-47790999-C-T. GRCh37 (hg19) VCF-style: chr2-48018138-C-T.
Other names: c.-404C>T (NM_001281493.2); c.-570C>T (NM_001281494.2); c.237+7529C>T (NM_001281492.2).
Identifiers: ClinVar variation 186204 (VCV000186204.31), dbSNP rs786202772, ClinGen allele CA012642.

ClinVar aggregate classification (germline): Benign/Likely benign. Review status: criteria provided, multiple submitters, no conflicts (2 of 4 stars). 12 submissions from 12 submitters: Benign (2); Likely benign (9). 1 of the submissions does not count toward it. Last evaluated 2026-06-04.

Conditions:
MSH6-related disorder. Also called: MSH6-related condition; MSH6-Related disorders.
Hereditary nonpolyposis colorectal neoplasms. Identifiers: MedGen C0009405, MeSH D003123.
Hereditary cancer-predisposing syndrome. Also called: Neoplastic Syndromes, Hereditary; Tumor predisposition; Hereditary neoplastic syndrome; Hereditary Cancer Syndrome. Identifiers: Orphanet 140162, MedGen C0027672, MeSH D009386, MONDO:0015356.
Lynch syndrome. Identifiers: Orphanet 144, MedGen C4552100, MONDO:0005835. Disease mechanism: loss of function.
Lynch syndrome 5 (LYNCH5). Also called: Colorectal cancer, hereditary nonpolyposis, type 5; Hereditary non-polyposis colorectal cancer, type 5. Identifiers: Orphanet 144, MedGen C1833477, MONDO:0013710, OMIM 614350. Disease mechanism: loss of function.

Allele frequency attached by ClinVar (database versions not stated): gnomAD 0.00001; gnomAD exomes 0.00001 and 0.00003; TOPMed 0.00001.
gnomAD v4.1: 44 of 1,614,120 alleles (0.0027%); highest among the groups gnomAD compares: Non-Finnish European, 0.0035%; no homozygotes.

Submissions (12):

PreventionGenetics, part of Exact Sciences
Classification: Likely benign for MSH6-related condition. Last evaluated: 2026-06-04. Review status: criteria provided, single submitter. Criteria: ACMG Guidelines, 2015. Collection method: clinical testing. Allele origin: germline.
Comment: This variant is classified as likely benign based on ACMG/AMP sequence variant interpretation guidelines (Richards et al. 2015 PMID: 25741868, with internal and published modifications).

Labcorp Genetics (formerly Invitae), Labcorp
Classification: Benign for Hereditary nonpolyposis colorectal neoplasms. Last evaluated: 2025-11-17. Review status: criteria provided, single submitter. Criteria: Invitae Variant Classification Sherloc (09022015). Collection method: clinical testing. Allele origin: germline.

All of Us Research Program, National Institutes of Health
Classification: Likely benign for Lynch syndrome. Last evaluated: 2023-11-30. Review status: criteria provided, single submitter. Criteria: ACMG Guidelines, 2015. Collection method: clinical testing. Allele origin: germline. Inheritance: Autosomal dominant inheritance. Observed: 5 variant alleles, 5 heterozygotes.
Comment: This study involves interpretation of variants in research participants for the purpose of population health screening. Participant phenotype was not available at the time of variant classification. Additional details can be found in publication PMID: 35346344, PMCID: PMC8962531

Myriad Genetics, Inc.
Classification: Benign for Lynch syndrome 5. Last evaluated: 2023-03-28. Review status: criteria provided, single submitter. Criteria: Myriad Autosomal Dominant, Autosomal Recessive and X-Linked Classification Criteria (2023). Collection method: clinical testing. Allele origin: unknown.
Comment: This variant is considered benign. This variant is a silent/synonymous amino acid change and it is not expected to impact splicing.

Quest Diagnostics Nichols Institute San Juan Capistrano
Classification: Likely benign. Last evaluated: 2022-10-07. Review status: criteria provided, single submitter. Criteria: Quest Diagnostics criteria. Collection method: clinical testing. Allele origin: unknown.

Sema4
Classification: Likely benign for Hereditary cancer-predisposing syndrome. Last evaluated: 2022-01-06. Review status: criteria provided, single submitter. Criteria: Sema4 Curation Guidelines. Collection method: curation. Allele origin: germline.

Department of Pathology and Laboratory Medicine, Sinai Health System
Classification: Likely benign for Lynch syndrome 5. Last evaluated: 2019-10-23. Review status: criteria provided, single submitter. Criteria: ACMG Guidelines, 2015. Collection method: clinical testing. Allele origin: germline. Affected: yes.

Women's Health and Genetics/Laboratory Corporation of America, LabCorp
Classification: Likely benign. Last evaluated: 2019-08-29. Review status: criteria provided, single submitter. Criteria: LabCorp Variant Classification Summary - May 2015. Collection method: clinical testing. Allele origin: germline.

GeneDx
Classification: Likely benign. Last evaluated: 2019-07-31. Review status: criteria provided, single submitter. Criteria: GeneDx Variant Classification Process June 2021. Collection method: clinical testing. Allele origin: germline. Affected: yes.

Color Diagnostics, LLC DBA Color Health
Classification: Likely benign for Hereditary cancer-predisposing syndrome. Last evaluated: 2016-03-02. Review status: criteria provided, single submitter. Criteria: ACMG Guidelines, 2015. Collection method: clinical testing. Allele origin: germline.

Ambry Genetics
Classification: Likely benign for Hereditary cancer-predisposing syndrome. Last evaluated: 2014-09-17. Review status: criteria provided, single submitter. Criteria: Ambry Variant Classification Scheme 2023. Collection method: clinical testing. Allele origin: germline.

Counsyl
Classification: Likely benign for Lynch syndrome 5. Last evaluated: 2015-11-17. Review status: no assertion criteria provided. Collection method: clinical testing. Allele origin: unknown. Not counted in ClinVar's aggregate classification.